The following is an entry in ClinVar:

NM_024757.5(EHMT1):c.2374C>G (p.Leu792Val)

Gene: EHMT1 (euchromatic histone lysine methyltransferase 1; plus strand). Cytogenetic location: 9q34.3.
Variant type: single nucleotide variant.
Coding change: c.2374C>G on transcript NM_024757.5 (MANE Select); coding-DNA position 2374, C replaced by G.
Protein change: p.Leu792Val; replaces leucine 792 with valine.
Molecular consequence: missense variant.
Genome position (GRCh38, 1-based): chr9:137,782,389, C>G. VCF-style: chr9-137782389-C-G. GRCh37 (hg19) VCF-style: chr9-140676841-C-G.
Other names: c.2374C>G, p.Leu792Val (NM_001145527.2); c.2281C>G, p.Leu761Val (NM_001354259.2); c.2353C>G, p.Leu785Val (NM_001354263.2); short protein forms L785V, L761V, L792V.
Identifiers: ClinVar variation 2087091 (VCV002087091.4), dbSNP rs2542534821, ClinGen allele CA375783356.

ClinVar aggregate classification (germline): Uncertain significance (1 of 4 stars; one submission).

Conditions:
Kleefstra syndrome 1 (KLEFS1). Identifiers: Orphanet 261494, MedGen C0795833, MONDO:0027407, OMIM 610253.

Submission:

Labcorp Genetics (formerly Invitae), Labcorp
Classification: Uncertain significance for Kleefstra syndrome 1. Last evaluated: 2022-07-06. Review status: criteria provided, single submitter. Criteria: Invitae Variant Classification Sherloc (09022015). Collection method: clinical testing. Allele origin: germline.
Comment: Algorithms developed to predict the effect of missense changes on protein structure and function are either unavailable or do not agree on the potential impact of this missense change (SIFT: "Deleterious"; PolyPhen-2: "Probably Damaging"; Align-GVGD: "Class C0"). This variant is not present in population databases (gnomAD no frequency). This sequence change replaces leucine, which is neutral and non-polar, with valine, which is neutral and non-polar, at codon 792 of the EHMT1 protein (p.Leu792Val). This variant has not been reported in the literature in individuals affected with EHMT1-related conditions. In summary, the available evidence is currently insufficient to determine the role of this variant in disease. Therefore, it has been classified as a Variant of Uncertain Significance.